The following is an entry in ClinVar:

ClinVar aggregate classification (germline): Likely benign. Review status: criteria provided, multiple submitters, no conflicts (2 of 4 stars). 3 submissions from 3 submitters: Likely benign (2). 1 of the submissions does not count toward it. Last evaluated 2025-12-28.

Conditions:
Inborn genetic diseases. Identifiers: MedGen C0950123, MeSH D030342.
Charcot-Marie-Tooth disease axonal type 2P. Also called: Charcot-Marie-Tooth Neuropathy Type 2G; CHARCOT-MARIE-TOOTH DISEASE, AXONAL, TYPE 2G; CMT 2G; CHARCOT-MARIE-TOOTH NEUROPATHY, TYPE 2P. Identifiers: Orphanet 300319, Orphanet 99941, MedGen C3280797, MONDO:0013753, OMIM 614436.
LRSAM1-related disorder. Also called: LRSAM1-related condition.

Allele frequency attached by ClinVar (database versions not stated): ExAC 0.00002; gnomAD 0.00003.
gnomAD v4.1: 23 of 1,614,048 alleles (0.0014%); highest among the groups gnomAD compares: African/African-American, 0.0053%; no homozygotes.

Submissions (3):

Labcorp Genetics (formerly Invitae), Labcorp
Classification: Likely benign for Charcot-Marie-Tooth disease axonal type 2P. Last evaluated: 2025-12-28. Review status: criteria provided, single submitter. Criteria: Invitae Variant Classification Sherloc (09022015). Collection method: clinical testing. Allele origin: germline.

Ambry Genetics
Classification: Likely benign for Inborn genetic diseases. Last evaluated: 2019-07-11. Review status: criteria provided, single submitter. Criteria: Ambry Variant Classification Scheme 2023. Collection method: clinical testing. Allele origin: germline.

PreventionGenetics, part of Exact Sciences
Classification: Likely benign for LRSAM1-related condition. Last evaluated: 2023-10-18. Review status: no assertion criteria provided. Collection method: clinical testing. Allele origin: germline. Not counted in ClinVar's aggregate classification.
Comment: This variant is classified as likely benign based on ACMG/AMP sequence variant interpretation guidelines (Richards et al. 2015 PMID: 25741868, with internal and published modifications).

NM_001005373.4(LRSAM1):c.804C>T (p.Leu268=)

Gene: LRSAM1 (leucine rich repeat and sterile alpha motif containing 1; plus strand). Cytogenetic location: 9q33.3.
Variant type: single nucleotide variant.
Coding change: c.804C>T on transcript NM_001005373.4 (MANE Select); coding-DNA position 804, C replaced by T.
Protein change: p.Leu268=; no amino-acid change (leucine 268 retained).
Molecular consequence: synonymous variant. On other transcripts: non-coding transcript variant (2).
Genome position (GRCh38, 1-based): chr9:127,479,406, C>T. VCF-style: chr9-127479406-C-T. GRCh37 (hg19) VCF-style: chr9-130241685-C-T.
Other names: c.804C>T, p.Leu268= (NM_001005374.4, NM_001190723.3, NM_001384142.1 and 2 more transcripts); c.15C>T, p.Leu5= (NM_001384144.1); c.804C>T (NM_138361.4).
Identifiers: ClinVar variation 365019 (VCV000365019.17), dbSNP rs771510127, ClinGen allele CA5246713.